The following is an entry in ClinVar:

NM_001376.5(DYNC1H1):c.9415C>T (p.His3139Tyr)

Genes: DYNC1H1 (dynein cytoplasmic 1 heavy chain 1; plus strand), LOC126862060 (BRD4-independent group 4 enhancer GRCh37_chr14:102493659-102494858; plus strand). Cytogenetic location: 14q32.31.
Variant type: single nucleotide variant.
Coding change: c.9415C>T on transcript NM_001376.5 (MANE Select); coding-DNA position 9415, C replaced by T.
Protein change: p.His3139Tyr; replaces histidine 3139 with tyrosine.
Molecular consequence: missense variant.
Genome position (GRCh38, 1-based): chr14:102,028,088, C>T. VCF-style: chr14-102028088-C-T. GRCh37 (hg19) VCF-style: chr14-102494425-C-T.
Other names: short protein forms H3139Y.
Identifiers: ClinVar variation 2633897 (VCV002633897.1), dbSNP rs2503806351, ClinGen allele CA391014378.

ClinVar aggregate classification (germline): Uncertain significance (1 of 4 stars; one submission).

Conditions:
DYNC1H1-related disorder. Also called: DYNC1H1-related condition; DYNC1H1-related disorders. Identifiers: MedGen CN381529.

Allele frequency attached by ClinVar (database versions not stated): gnomAD exomes below 0.00001.
gnomAD v4.1: 1 of 1,614,166 alleles (0.000062%); highest among the groups gnomAD compares: Non-Finnish European, 0.000085%; no homozygotes.

Submission:

PreventionGenetics, part of Exact Sciences
Classification: Uncertain significance for DYNC1H1-related condition. Last evaluated: 2023-03-14. Review status: criteria provided, single submitter. Criteria: ACMG Guidelines, 2015. Collection method: clinical testing. Allele origin: germline.
Comment: The DYNC1H1 c.9415C>T variant is predicted to result in the amino acid substitution p.His3139Tyr. To our knowledge, this variant has not been reported in the literature or in a large population database, indicating this variant is rare. At this time, the clinical significance of this variant is uncertain due to the absence of conclusive functional and genetic evidence.